The following is an entry in ClinVar:

NC_000002.11:g.(?_172669829)_(172671732_?)del

Gene: SLC25A12 (solute carrier family 25 member 12; minus strand). Cytogenetic location: 2q31.1.
Variant type: Deletion.
Identifiers: ClinVar variation 1459662 (VCV001459662.7).

ClinVar aggregate classification (germline): Pathogenic (1 of 4 stars; one submission).

Submission:

Labcorp Genetics (formerly Invitae), Labcorp
Classification: Pathogenic. Last evaluated: 2022-07-06. Review status: criteria provided, single submitter. Criteria: Invitae Variant Classification Sherloc (09022015). Collection method: clinical testing. Allele origin: germline.
Comment: For these reasons, this variant has been classified as Pathogenic. This variant has not been reported in the literature in individuals affected with SLC25A12-related conditions. This variant is a gross deletion of the genomic region encompassing exon(s) 10-11 of the SLC25A12 gene. This deletion is out-of-frame, and is expected to create a premature termination codon and result in an absent or disrupted protein product. Loss-of-function variants in SLC25A12 are known to be pathogenic (PMID: 20015484, 31403263).

Literature cited by the submitters: PubMed 20015484; PubMed 31403263.